The following is an entry in ClinVar:

ClinVar aggregate classification (germline): Uncertain significance (1 of 4 stars; one submission).

Submission:

Labcorp Genetics (formerly Invitae), Labcorp
Classification: Uncertain significance. Last evaluated: 2022-10-29. Review status: criteria provided, single submitter. Criteria: Invitae Variant Classification Sherloc (09022015). Collection method: clinical testing. Allele origin: germline.
Comment: This sequence change replaces threonine, which is neutral and polar, with isoleucine, which is neutral and non-polar, at codon 582 of the TCF20 protein (p.Thr582Ile). This variant is not present in population databases (gnomAD no frequency). In summary, the available evidence is currently insufficient to determine the role of this variant in disease. Therefore, it has been classified as a Variant of Uncertain Significance. Algorithms developed to predict the effect of missense changes on protein structure and function (SIFT, PolyPhen-2, Align-GVGD) all suggest that this variant is likely to be tolerated. This variant has not been reported in the literature in individuals affected with TCF20-related conditions.

NM_001378418.1(TCF20):c.1745C>T (p.Thr582Ile)

Gene: TCF20 (transcription factor 20; minus strand). Cytogenetic location: 22q13.2.
Variant type: single nucleotide variant.
Coding change: c.1745C>T on transcript NM_001378418.1 (MANE Select); coding-DNA position 1745, C replaced by T.
Protein change: p.Thr582Ile; replaces threonine 582 with isoleucine.
Molecular consequence: missense variant.
Genome position (GRCh38, 1-based): chr22:42,213,561, G>A on the plus strand (C>T on the coding strand, the complement: TCF20 is on the minus strand). VCF-style: chr22-42213561-G-A. GRCh37 (hg19) VCF-style: chr22-42609567-G-A.
Other names: c.1745C>T, p.Thr582Ile (NM_005650.4, NM_181492.3); short protein forms T582I.
Identifiers: ClinVar variation 2810549 (VCV002810549.3), dbSNP rs2518233296, ClinGen allele CA411790162.
Genomic context (GRCh38, chr22:42,213,561, plus strand): 5'-TTCTCATTAACCTTTGGGTTCCCGTCGGATGACAATGGCATGTCCTTAGCGCCTGGTGAG[G>A]TGGCCTCTTCTCTTGCGGCAGGACTAGCATTGAGTCTGGGGGGTTCATTCTGAGCACCTT-3'
Protein context (NP_001365347.1, residues 572-592): NASPAAREEA[Thr582Ile]SPGAKDMPLS